The following is an entry in ClinVar:

ClinVar aggregate classification (germline): Benign/Likely benign. Review status: criteria provided, multiple submitters, no conflicts (2 of 4 stars). 3 submissions from 3 submitters: Benign (1); Likely benign (2). Last evaluated 2024-10-23.

Conditions:
Birt-Hogg-Dube syndrome 1 (BHD1). Also called: FIBROFOLLICULOMAS WITH TRICHODISCOMAS AND ACROCHORDONS. Identifiers: Orphanet 122, MedGen CN375946, MONDO:0800445, OMIM 135150.
Hereditary cancer-predisposing syndrome. Also called: Neoplastic Syndromes, Hereditary; Tumor predisposition; Hereditary neoplastic syndrome; Hereditary Cancer Syndrome. Identifiers: Orphanet 140162, MedGen C0027672, MeSH D009386, MONDO:0015356.
Birt-Hogg-Dube syndrome. Also called: Birt Hogg Dubé syndrome. Identifiers: Orphanet 122, MedGen C0346010, MONDO:0800444.

Allele frequency attached by ClinVar (database versions not stated): TOPMed below 0.00001.

Submissions (3):

Myriad Genetics, Inc.
Classification: Benign for Birt-Hogg-Dube syndrome 1. Last evaluated: 2024-10-23. Review status: criteria provided, single submitter. Criteria: Myriad Autosomal Dominant, Autosomal Recessive and X-Linked Classification Criteria (2023). Collection method: clinical testing. Allele origin: unknown.
Comment: This variant is considered benign. This variant is a silent/synonymous amino acid change and it is not expected to impact splicing.

Labcorp Genetics (formerly Invitae), Labcorp
Classification: Likely benign for Birt-Hogg-Dube syndrome. Last evaluated: 2023-03-17. Review status: criteria provided, single submitter. Criteria: Invitae Variant Classification Sherloc (09022015). Collection method: clinical testing. Allele origin: germline.

Ambry Genetics
Classification: Likely benign for Hereditary cancer-predisposing syndrome. Last evaluated: 2022-03-11. Review status: criteria provided, single submitter. Criteria: Ambry Variant Classification Scheme 2023. Collection method: clinical testing. Allele origin: germline.

NM_144997.7(FLCN):c.648A>C (p.Pro216=)

Gene: FLCN (folliculin; minus strand). Cytogenetic location: 17p11.2.
Variant type: single nucleotide variant.
Coding change: c.648A>C on transcript NM_144997.7 (MANE Select); coding-DNA position 648, A replaced by C.
Protein change: p.Pro216=; no amino-acid change (proline 216 retained).
Molecular consequence: synonymous variant.
Genome position (GRCh38, 1-based): chr17:17,222,632, T>G on the plus strand (A>C on the coding strand, the complement: FLCN is on the minus strand). VCF-style: chr17-17222632-T-G. GRCh37 (hg19) VCF-style: chr17-17125946-T-G.
Other names: c.702A>C, p.Pro234= (NM_001353229.2); c.648A>C, p.Pro216= (NM_001353230.2, NM_001353231.2, NM_144606.7).
Identifiers: ClinVar variation 1753801 (VCV001753801.6), dbSNP rs2047129976, ClinGen allele CA498164824.